The following is an entry in ClinVar:

NM_032119.4(ADGRV1):c.17560T>C (p.Ser5854Pro)

Gene: ADGRV1 (adhesion G protein-coupled receptor V1; plus strand). Cytogenetic location: 5q14.3.
Variant type: single nucleotide variant.
Coding change: c.17560T>C on transcript NM_032119.4 (MANE Select); coding-DNA position 17560, T replaced by C.
Protein change: p.Ser5854Pro; replaces serine 5854 with proline.
Molecular consequence: missense variant. On other transcripts: non-coding transcript variant (1).
Genome position (GRCh38, 1-based): chr5:90,854,167, T>C. VCF-style: chr5-90854167-T-C. GRCh37 (hg19) VCF-style: chr5-90149984-T-C.
Other names: short protein forms S5854P.
Identifiers: ClinVar variation 2120355 (VCV002120355.1), dbSNP rs1247081438, ClinGen allele CA360430651.

ClinVar aggregate classification (germline): Uncertain significance (1 of 4 stars; one submission).

Allele frequency attached by ClinVar (database versions not stated): gnomAD exomes below 0.00001.
gnomAD v4.1: 3 of 1,554,454 alleles (0.00019%); highest among the groups gnomAD compares: Non-Finnish European, 0.00026%; no homozygotes.

Submission:

Labcorp Genetics (formerly Invitae), Labcorp
Classification: Uncertain significance. Last evaluated: 2022-10-13. Review status: criteria provided, single submitter. Criteria: Invitae Variant Classification Sherloc (09022015). Collection method: clinical testing. Allele origin: germline.
Comment: This sequence change replaces serine, which is neutral and polar, with proline, which is neutral and non-polar, at codon 5854 of the ADGRV1 protein (p.Ser5854Pro). The frequency data for this variant in the population databases is considered unreliable, as metrics indicate poor data quality at this position in the gnomAD database. This variant has not been reported in the literature in individuals affected with ADGRV1-related conditions. Advanced modeling of protein sequence and biophysical properties (such as structural, functional, and spatial information, amino acid conservation, physicochemical variation, residue mobility, and thermodynamic stability) performed at Invitae indicates that this missense variant is not expected to disrupt ADGRV1 protein function. In summary, the available evidence is currently insufficient to determine the role of this variant in disease. Therefore, it has been classified as a Variant of Uncertain Significance.